The following is an entry in ClinVar:

ClinVar aggregate classification (germline): Uncertain significance (1 of 4 stars; one submission).

Conditions:
Facioscapulohumeral muscular dystrophy 2 (FSHD2). Also called: FACIOSCAPULOHUMERAL MUSCULAR DYSTROPHY 2, DIGENIC; FSHD2, DIGENIC; MUSCULAR DYSTROPHY, FACIOSCAPULOHUMERAL, TYPE 1B. Identifiers: Orphanet 269, MedGen C1834671, MONDO:0008031, OMIM 158901.

Allele frequency attached by ClinVar (database versions not stated): ExAC 0.00001; gnomAD 0.00001; gnomAD exomes 0.00001; TOPMed 0.00001.
gnomAD v4.1: 13 of 1,612,936 alleles (0.00081%); highest among the groups gnomAD compares: African/African-American, 0.0053%; no homozygotes.

Submission:

Labcorp Genetics (formerly Invitae), Labcorp
Classification: Uncertain significance for Facioscapulohumeral muscular dystrophy 2. Last evaluated: 2024-04-02. Review status: criteria provided, single submitter. Criteria: Invitae Variant Classification Sherloc (09022015). Collection method: clinical testing. Allele origin: germline.
Comment: This sequence change replaces arginine, which is basic and polar, with cysteine, which is neutral and slightly polar, at codon 836 of the SMCHD1 protein (p.Arg836Cys). This variant is present in population databases (rs777201756, gnomAD 0.007%). This variant has not been reported in the literature in individuals affected with SMCHD1-related conditions. ClinVar contains an entry for this variant (Variation ID: 644695). Advanced modeling of protein sequence and biophysical properties (such as structural, functional, and spatial information, amino acid conservation, physicochemical variation, residue mobility, and thermodynamic stability) performed at Invitae indicates that this missense variant is not expected to disrupt SMCHD1 protein function with a negative predictive value of 80%. In summary, the available evidence is currently insufficient to determine the role of this variant in disease. Therefore, it has been classified as a Variant of Uncertain Significance.

NM_015295.3(SMCHD1):c.2506C>T (p.Arg836Cys)

Gene: SMCHD1 (structural maintenance of chromosomes flexible hinge domain containing 1; plus strand). Cytogenetic location: 18p11.32.
Variant type: single nucleotide variant.
Coding change: c.2506C>T on transcript NM_015295.3 (MANE Select); coding-DNA position 2506, C replaced by T.
Protein change: p.Arg836Cys; replaces arginine 836 with cysteine.
Molecular consequence: missense variant.
Genome position (GRCh38, 1-based): chr18:2,722,566, C>T. VCF-style: chr18-2722566-C-T. GRCh37 (hg19) VCF-style: chr18-2722564-C-T.
Other names: short protein forms R836C.
Identifiers: ClinVar variation 644695 (VCV000644695.8), dbSNP rs777201756, ClinGen allele CA8870984.